The following is an entry in ClinVar:

ClinVar aggregate classification (germline): Uncertain significance. Review status: criteria provided, multiple submitters, no conflicts (2 of 4 stars). 2 submissions from 2 submitters: Uncertain significance (2). Last evaluated 2025-06-25.

Allele frequency attached by ClinVar (database versions not stated): gnomAD 0.00003 and 0.00004; gnomAD exomes 0.00008 and 0.00011; ExAC 0.00018.
gnomAD v4.1: 115 of 1,471,740 alleles (0.0078%); highest among the groups gnomAD compares: Admixed American, 0.01%; no homozygotes.

Submissions (2):

Ambry Genetics
Classification: Uncertain significance. Last evaluated: 2025-06-25. Review status: criteria provided, single submitter. Criteria: Ambry Variant Classification Scheme 2023. Collection method: clinical testing. Allele origin: germline.

Labcorp Genetics (formerly Invitae), Labcorp
Classification: Uncertain significance. Last evaluated: 2025-05-01. Review status: criteria provided, single submitter. Criteria: Invitae Variant Classification Sherloc (09022015). Collection method: clinical testing. Allele origin: germline.
Comment: This sequence change replaces proline, which is neutral and non-polar, with serine, which is neutral and polar, at codon 574 of the MKL1 protein (p.Pro574Ser). The frequency data for this variant in the population databases is considered unreliable, as metrics indicate poor data quality at this position in the gnomAD database. This variant has not been reported in the literature in individuals affected with MKL1-related conditions. ClinVar contains an entry for this variant (Variation ID: 1683003). An algorithm developed to predict the effect of missense changes on protein structure and function (PolyPhen-2) suggests that this variant is likely to be tolerated. In summary, the available evidence is currently insufficient to determine the role of this variant in disease. Therefore, it has been classified as a Variant of Uncertain Significance.

NM_020831.6(MRTFA):c.2020C>T (p.Pro674Ser)

Gene: MRTFA (myocardin related transcription factor A; minus strand). Cytogenetic location: 22q13.1.
Variant type: single nucleotide variant.
Coding change: c.2020C>T on transcript NM_020831.6 (MANE Select); coding-DNA position 2020, C replaced by T.
Protein change: p.Pro674Ser; replaces proline 674 with serine.
Molecular consequence: missense variant.
Genome position (GRCh38, 1-based): chr22:40,418,718, G>A on the plus strand (C>T on the coding strand, the complement: MRTFA is on the minus strand). VCF-style: chr22-40418718-G-A. GRCh37 (hg19) VCF-style: chr22-40814722-G-A.
Other names: c.1720C>T, p.Pro574Ser (NM_001282660.2); c.1870C>T, p.Pro624Ser (NM_001282661.3); c.2020C>T, p.Pro674Ser (NM_001282662.3); c.1825C>T, p.Pro609Ser (NM_001318139.2); c.1720C>T (NM_020831.3); short protein forms P574S, P609S, P624S, P674S.
Identifiers: ClinVar variation 1683003 (VCV001683003.8), dbSNP rs779554927, ClinGen allele CA10249466.